The following is an entry in ClinVar:

NC_000016.9:g.(?_28498757)_(28499082_?)del

Gene: CLN3 (CLN3 lysosomal/endosomal transmembrane protein, battenin; minus strand). Cytogenetic location: 16p11.2.
Variant type: Deletion.
Identifiers: ClinVar variation 3243309 (VCV003243309.1).

ClinVar aggregate classification (germline): Pathogenic (1 of 4 stars; one submission).

Conditions:
Neuronal ceroid lipofuscinosis. Also called: Neuronal Ceroid Lipofuscinoses. Identifiers: Orphanet 216, Orphanet 79263, MedGen C0027877, MONDO:0016295. Disease mechanism: loss of function.

Submission:

Labcorp Genetics (formerly Invitae), Labcorp
Classification: Pathogenic for Neuronal ceroid lipofuscinosis. Last evaluated: 2023-10-04. Review status: criteria provided, single submitter. Criteria: Invitae Variant Classification Sherloc (09022015). Collection method: clinical testing. Allele origin: unknown.
Comment: This variant is a gross deletion of the genomic region encompassing exon(s) 6-7 of the CLN3 gene. This deletion is out-of-frame, and is expected to create a premature termination codon and result in an absent or disrupted protein product. Loss-of-function variants in CLN3 are known to be pathogenic (PMID: 9311735, 28542676). This variant has not been reported in the literature in individuals affected with CLN3-related conditions. For these reasons, this variant has been classified as Pathogenic.

Literature cited by the submitters: PubMed 9311735; PubMed 28542676.